The following is an entry in ClinVar:

ClinVar aggregate classification (germline): not provided (0 of 4 stars; one submission).

Allele frequency attached by ClinVar (database versions not stated): gnomAD exomes below 0.00001; TOPMed 0.00001; gnomAD 0.00003.
gnomAD v4.1: 4 of 1,613,894 alleles (0.00025%); highest among the groups gnomAD compares: African/African-American, 0.0053%; no homozygotes.

Submission:

Human Evolutionary Genetics, Institut Pasteur
No classification provided. Review status: no classification provided. Collection method: not provided. Allele origin: germline.
ClinVar note: Converted during submission from untested to not provided.

NM_001394894.2(NLRP11):c.2744C>T (p.Thr915Ile)

Gene: NLRP11 (NLR family pyrin domain containing 11; minus strand). Cytogenetic location: 19q13.42.
Variant type: single nucleotide variant.
Coding change: c.2744C>T on transcript NM_001394894.2 (MANE Select); coding-DNA position 2744, C replaced by T.
Protein change: p.Thr915Ile; replaces threonine 915 with isoleucine.
Molecular consequence: missense variant. On other transcripts: non-coding transcript variant (3).
Genome position (GRCh38, 1-based): chr19:55,788,918, G>A on the plus strand (C>T on the coding strand, the complement: NLRP11 is on the minus strand). VCF-style: chr19-55788918-G-A. GRCh37 (hg19) VCF-style: chr19-56300284-G-A.
Other names: c.2447C>T, p.Thr816Ile (NM_001297743.3); c.2582C>T, p.Thr861Ile (NM_001385451.2); c.2573C>T, p.Thr858Ile (NM_001385453.2); c.2744C>T, p.Thr915Ile (NM_145007.5); short protein forms T915I, T816I, T858I, T861I.
Identifiers: ClinVar variation 103277 (VCV000103277.3), dbSNP rs199475862, ClinGen allele CA230354.